The following is an entry in ClinVar:

NM_207111.4(RNF216):c.2056C>T (p.Arg686Ter)

Gene: RNF216 (ring finger protein 216; minus strand). Cytogenetic location: 7p22.1.
Variant type: single nucleotide variant.
Coding change: c.2056C>T on transcript NM_207111.4 (MANE Select); coding-DNA position 2056, C replaced by T.
Protein change: p.Arg686Ter; replaces arginine 686 with a stop codon.
Molecular consequence: nonsense.
Genome position (GRCh38, 1-based): chr7:5,711,766, G>A on the plus strand (C>T on the coding strand, the complement: RNF216 is on the minus strand). VCF-style: chr7-5711766-G-A. GRCh37 (hg19) VCF-style: chr7-5751397-G-A.
Other names: c.1885C>T, p.Arg629Ter (NM_001377156.1, NM_207116.3); short protein forms R686*, R629*.
Identifiers: ClinVar variation 3720727 (VCV003720727.2).

ClinVar aggregate classification (germline): Pathogenic (1 of 4 stars; one submission).

gnomAD v4.1: 4 of 1,612,768 alleles (0.00025%); highest among the groups gnomAD compares: Non-Finnish European, 0.00034%; no homozygotes.

Submission:

Labcorp Genetics (formerly Invitae), Labcorp
Classification: Pathogenic. Last evaluated: 2025-08-18. Review status: criteria provided, single submitter. Criteria: Invitae Variant Classification Sherloc (09022015). Collection method: clinical testing. Allele origin: germline.
Comment: This sequence change creates a premature translational stop signal (p.Arg686*) in the RNF216 gene. It is expected to result in an absent or disrupted protein product. Loss-of-function variants in RNF216 are known to be pathogenic (PMID: 24108619, 25841028). This variant is present in population databases (rs771216799, gnomAD 0.002%). This premature translational stop signal has been observed in individual(s) with Holmes syndrome (PMID: 24108619). ClinVar contains an entry for this variant (Variation ID: 3720727). Algorithms developed to predict the effect of sequence changes on RNA splicing suggest that this variant may disrupt the consensus splice site. For these reasons, this variant has been classified as Pathogenic.

Literature cited by the submitters: PubMed 24108619; PubMed 25841028.